The following is an entry in ClinVar:

NM_207037.2(TCF12):c.1180_1181insG (p.His394fs)

Gene: TCF12 (transcription factor 12; plus strand). Cytogenetic location: 15q21.3.
Variant type: Insertion.
Coding change: c.1180_1181insG on transcript NM_207037.2 (MANE Select); coding-DNA positions 1180 to 1181, G inserted.
Protein change: p.His394fs; shifts the reading frame from histidine 394.
Molecular consequence: frameshift variant.
Genome position: GRCh38 VCF-style: chr15-57251415-C-CG. GRCh37 (hg19) VCF-style: chr15-57543613-C-CG.
Other names: c.670_671insG, p.His224fs (NM_001306219.3, NM_207040.2); c.472_473insG, p.His158fs (NM_001306220.3); c.1180_1181insG, p.His394fs (NM_001322151.2, NM_001322152.2, NM_001322157.3 and 7 more transcripts); c.523_524insG, p.His175fs (NM_001322154.2); c.1006_1007insG, p.His336fs (NM_001322156.2, NM_001322158.2); c.1216_1217insG, p.His406fs (NM_001322164.2); short protein forms H158fs, H175fs, H406fs, H224fs, H336fs, H394fs.
Identifiers: ClinVar variation 2109165 (VCV002109165.4), dbSNP rs2551482755, ClinGen allele CA2580089813.
Genomic context (GRCh38, chr15:57,251,415, plus strand): 5'-AGTCAGTGGCCAAGACCTGGAGGGCAAGCACCTTCATCCCCAAGCTATGAAAACTCACTC[C>CG]ACTCCCTGGTAAGAGCCTCTTATACATCAGTTTTATCTGATAGCTTAGAGTTTGTTTGTT-3'

ClinVar aggregate classification (germline): Pathogenic (1 of 4 stars; one submission).

Submission:

Labcorp Genetics (formerly Invitae), Labcorp
Classification: Pathogenic. Last evaluated: 2022-03-11. Review status: criteria provided, single submitter. Criteria: Invitae Variant Classification Sherloc (09022015). Collection method: clinical testing. Allele origin: germline.
Comment: This variant is not present in population databases (gnomAD no frequency). This sequence change creates a premature translational stop signal (p.His394Argfs*8) in the TCF12 gene. It is expected to result in an absent or disrupted protein product. Loss-of-function variants in TCF12 are known to be pathogenic (PMID: 23354436, 32620954). This variant has not been reported in the literature in individuals affected with TCF12-related conditions. For these reasons, this variant has been classified as Pathogenic.

Literature cited by the submitters: PubMed 23354436; PubMed 32620954.